The following is an entry in ClinVar:

ClinVar aggregate classification (germline): Uncertain significance (1 of 4 stars; one submission).

Conditions:
Hereditary cancer-predisposing syndrome. Also called: Tumor predisposition; Neoplastic Syndromes, Hereditary; Hereditary neoplastic syndrome; Hereditary Cancer Syndrome. Identifiers: Orphanet 140162, MedGen C0027672, MeSH D009386, MONDO:0015356.

Submission:

Color Diagnostics, LLC DBA Color Health
Classification: Uncertain significance for Hereditary cancer-predisposing syndrome. Last evaluated: 2023-09-01. Review status: criteria provided, single submitter. Criteria: ACMG Guidelines, 2015. Collection method: clinical testing. Allele origin: germline.
Comment: This variant inserts 20 nucleotides in exon 9 of the BRCA1 gene, creating a premature translation stop signal. The impacted exon is also known as exon 8 by a numbering scheme that only counts coding exon and exon 10 by Breast Cancer Information Core (BIC) nomenclature. This variant is expected to result in the absence of functional full-length protein product. A functional study has shown that this variant results in a reduced cell viability when exposed to a DNA damaging agent (Pongsavee 2017). This variant has not been identified in the general population by the Genome Aggregation Database (gnomAD). This specific variant has been previously reported in an individual affected with breast and ovarian cancer (PMID: 12203997) and in an individual affect with breast cancer (PMID: 33649982). Two other truncation variants in the vicinity of exons 8 and 9 have been reported in individuals affected with high-risk breast cancer and/or ovarian cancer (PMID: 12815604, 15642173) and in a suspected hereditary breast and ovarian cancer family (PMID: 8764110). In one study, an exon 9 frameshift variant (c.594_597del) has been observed in compound heterozygosity with a known pathogenic missense variant, in an individual diagnosed with Fanconi anemia (PMID: 25472942). This presentation suggests that the exon 9 variant contributed to the development of disease. However, two splicing variants c.591C>T and c.594-2A>C that have been demonstrated to cause a premature translation stop signal and have been reported in individuals affected with breast and ovarian cancer, as well as in healthy unaffected individuals (PMID: 16211554, 19892845, 25639900, 27008870). The case-control, health history, tumor pathology and segregation data for the c.594-2A>C variant either indicate that this variant is not pathogenic or that pathogenicity is inconclusive (PMID: 25639900, 27008870). In these carriers, there is a relative increase in the skipping of exons 8 and 9 by pre-mRNA splicing that is expected to cause a small in-frame deletion of 41 amino acids from the reference protein (1884 amino acids) (PMID: 19892845, 27008870). An interpretation of these findings is that a BRCA1 mRNA isoform lacking exons 8 and 9 is normally produced and is functional. This alternate mRNA isoform is expected to be refractory to frameshift, nonsense and splicing defective variants found in exons 8 and 9 (PMID: 27008870). RNA studies have confirmed the appearance of the skipping of exons 8 and 9 in the majority of individuals tested, however, the degree of expression also appears to be highly variable in individuals (PMID: 24569164, 27008870, 28905878, 32133419). Taken together, the available evidence suggests that the expected deleterious effects of this c.624_625ins20 variant and other truncation variants occurring in exons 8 and 9 could be ameliorated by the expression of the mRNA isoform lacking exons 8 and 9 that retains normal BRCA1 function. Because of the uncertain clinical consequences of this variant, it is classified as a Variant of Uncertain Significance.

Literature cited by the submitters: PubMed 8764110; PubMed 12203997; PubMed 12815604; PubMed 15642173; PubMed 16211554; PubMed 19892845; PubMed 24569164; PubMed 25472942; PubMed 25639900; PubMed 27008870; PubMed 28905878; PubMed 32133419; PubMed 33649982.

NM_007294.4(BRCA1):c.624_625insAGGGATGAAATCAGGAACCA (p.Pro209fs)

Gene: BRCA1 (BRCA1 DNA repair associated; minus strand). Cytogenetic location: 17q21.31.
Variant type: Insertion.
Coding change: c.624_625insAGGGATGAAATCAGGAACCA on transcript NM_007294.4 (MANE Select); coding-DNA positions 624 to 625, AGGGATGAAATCAGGAACCA inserted.
Protein change: p.Pro209fs; shifts the reading frame from proline 209.
Molecular consequence: frameshift variant. On other transcripts: non-coding transcript variant (1).
Genome position: GRCh38 VCF-style: chr17-43095891-G-GTGGTTCCTGATTTCATCCCT. GRCh37 (hg19) VCF-style: chr17-41247908-G-GTGGTTCCTGATTTCATCCCT.
Other names: c.624_625insAGGGATGAAATCAGGAACCA, p.Pro209Argfs (NM_001407977.1, NM_001407978.1, NM_001407980.1 and 57 more transcripts); c.621_622insAGGGATGAAATCAGGAACCA, p.Pro208Argfs (NM_001407984.1, NM_001407985.1, NM_001407986.1 and 41 more transcripts); c.414_415insAGGGATGAAATCAGGAACCA, p.Pro139Argfs (NM_001407884.1, NM_001407885.1, NM_001407886.1 and 27 more transcripts); c.411_412insAGGGATGAAATCAGGAACCA, p.Pro138Argfs (NM_001407894.1, NM_001407895.1, NM_001407896.1 and 12 more transcripts); c.483_484insAGGGATGAAATCAGGAACCA, p.Pro162Argfs (NM_001407942.1, NM_001407944.1, NM_001407945.1 and 42 more transcripts); c.480_481insAGGGATGAAATCAGGAACCA, p.Pro161Argfs (NM_001407943.1, NM_001407964.1, NM_001408462.1 and 26 more transcripts); c.243_244insAGGGATGAAATCAGGAACCA, p.Pro82Argfs (NM_001407959.1, NM_001407960.1, NM_001407963.1 and 1 more transcripts); c.240_241insAGGGATGAAATCAGGAACCA, p.Pro81Argfs (NM_001407962.1); and 6 more; short protein forms P162fs, P209fs.
Identifiers: ClinVar variation 630475 (VCV000630475.7), dbSNP rs397509302, ClinGen allele CA913188936.